The following is an entry in ClinVar:

ClinVar aggregate classification (germline): Uncertain significance (1 of 4 stars; one submission).

Allele frequency attached by ClinVar (database versions not stated): ExAC 0.00001; gnomAD exomes 0.00001.

Submission:

Labcorp Genetics (formerly Invitae), Labcorp
Classification: Uncertain significance. Last evaluated: 2022-11-22. Review status: criteria provided, single submitter. Criteria: Invitae Variant Classification Sherloc (09022015). Collection method: clinical testing. Allele origin: germline.
Comment: In summary, the available evidence is currently insufficient to determine the role of this variant in disease. Therefore, it has been classified as a Variant of Uncertain Significance. Algorithms developed to predict the effect of missense changes on protein structure and function (SIFT, PolyPhen-2, Align-GVGD) all suggest that this variant is likely to be tolerated. ClinVar contains an entry for this variant (Variation ID: 1503342). This variant has not been reported in the literature in individuals affected with CCDC88A-related conditions. This variant is present in population databases (rs757958814, gnomAD 0.01%). This sequence change replaces threonine, which is neutral and polar, with serine, which is neutral and polar, at codon 93 of the CCDC88A protein (p.Thr93Ser).

NM_001365480.1(CCDC88A):c.277A>T (p.Thr93Ser)

Gene: CCDC88A (coiled-coil and HOOK domain protein 88A; minus strand). Cytogenetic location: 2p16.1.
Variant type: single nucleotide variant.
Coding change: c.277A>T on transcript NM_001365480.1 (MANE Select); coding-DNA position 277, A replaced by T.
Protein change: p.Thr93Ser; replaces threonine 93 with serine.
Molecular consequence: missense variant.
Genome position (GRCh38, 1-based): chr2:55,374,880, T>A on the plus strand (A>T on the coding strand, the complement: CCDC88A is on the minus strand). VCF-style: chr2-55374880-T-A. GRCh37 (hg19) VCF-style: chr2-55602016-T-A.
Other names: c.277A>T, p.Thr93Ser (NM_001135597.2, NM_001254943.2, NM_018084.5); short protein forms T93S.
Identifiers: ClinVar variation 1503342 (VCV001503342.8), dbSNP rs757958814, ClinGen allele CA1666443.
Genomic context (GRCh38, chr2:55,374,880, plus strand): 5'-AGGGATTTTTGCCAATGATTAAGACATTTGGCAACGACATCATGATCAATTGCTGCAAAG[T>A]CTCCTGTAAAAAAATATCCAACACTTGTTATATGGGTAATGCTAACTAGATAATTATTCA-3'
Protein context (NP_001352409.1, residues 83-103): VRQIKFYYQE[Thr93Ser]LQQLIMMSLP